The following is an entry in ClinVar:

ClinVar aggregate classification (germline): Benign/Likely benign. Review status: criteria provided, multiple submitters, no conflicts (2 of 4 stars). 4 submissions from 3 submitters: Benign (1); Likely benign (3). Last evaluated 2018-01-12.

Conditions:
Wolff-Parkinson-White pattern. Also called: WPW SYNDROME; Auriculoventricular accessory pathway syndrome; False bundle branch block syndrome; Anomalous ventricular excitation syndrome. Identifiers: MedGen C0043202, MONDO:0008685, OMIM 194200, HP:0001716.
Hypertrophic cardiomyopathy 6. Identifiers: MedGen C1833236, MONDO:0010946, OMIM 600858.

Allele frequency attached by ClinVar (database versions not stated): 1000 Genomes Project 30x 0.00484; 1000 Genomes Project 0.00519; ESP Exome Variant Server 0.00569; gnomAD 0.00626 and 0.00668; TOPMed 0.00711; gnomAD exomes 0.00810.
gnomAD v4.1: 13,079 of 1,613,724 alleles (0.81%); highest among the groups gnomAD compares: Middle Eastern, 4.2%; 133 homozygotes.

Submissions (4):

Illumina Laboratory Services, Illumina
Classification: Likely benign for Hypertrophic cardiomyopathy 6. Last evaluated: 2018-01-12. Review status: criteria provided, single submitter. Criteria: ICSL Variant Classification Criteria 13 December 2019. Collection method: clinical testing. Allele origin: germline.
Comment: This variant was observed in the ICSL laboratory as part of a predisposition screen in an ostensibly healthy population. It had not been previously curated by ICSL or reported in the Human Gene Mutation Database (HGMD: prior to June 1st, 2018), and was therefore a candidate for classification through an automated scoring system. Utilizing variant allele frequency, disease prevalence and penetrance estimates, and inheritance mode, an automated score was calculated to assess if this variant is too frequent to cause the disease. Based on the score and internal cut-off values, a variant classified as likely benign is not then subjected to further curation. The score for this variant resulted in a classification of likely benign for this disease.

Illumina Laboratory Services, Illumina
Classification: Likely benign for Wolff-Parkinson-White pattern. Last evaluated: 2018-01-12. Review status: criteria provided, single submitter. Criteria: ICSL Variant Classification Criteria 13 December 2019. Collection method: clinical testing. Allele origin: germline.
Comment: the same text as in the submission from Illumina Laboratory Services, Illumina above.

GeneDx
Classification: Benign. Last evaluated: 2015-03-03. Review status: criteria provided, single submitter. Criteria: GeneDx Variant Classification Process June 2021. Collection method: clinical testing. Allele origin: germline. Affected: yes.

Breakthrough Genomics
Classification: Likely benign. Review status: criteria provided, single submitter. Criteria: ACMG Guidelines, 2015. Collection method: not provided. Allele origin: germline. Inheritance: Autosomal dominant inheritance. Affected: yes.

NM_016203.4(PRKAG2):c.*56G>A

Gene: PRKAG2 (protein kinase AMP-activated non-catalytic subunit gamma 2; minus strand). Cytogenetic location: 7q36.1.
Variant type: single nucleotide variant.
Coding change: c.*56G>A on transcript NM_016203.4 (MANE Select); 56 bases downstream of the stop codon, G replaced by A.
Molecular consequence: 3 prime UTR variant.
Genome position (GRCh38, 1-based): chr7:151,557,145, C>T on the plus strand (G>A on the coding strand, the complement: PRKAG2 is on the minus strand). VCF-style: chr7-151557145-C-T. GRCh37 (hg19) VCF-style: chr7-151254231-C-T.
Other names: c.*56G>A (NM_001040633.2, NM_001304527.2, NM_001304531.2 and 2 more transcripts).
Identifiers: ClinVar variation 909955 (VCV000909955.7), dbSNP rs141781827, ClinGen allele CA169162405.